The following is an entry in ClinVar:

NM_000018.4(ACADVL):c.205-5C>G

Gene: ACADVL (acyl-CoA dehydrogenase very long chain; plus strand). Cytogenetic location: 17p13.1.
Variant type: single nucleotide variant.
Coding change: c.205-5C>G on transcript NM_000018.4 (MANE Select); 5 bases into the intron before coding-DNA position 205, C replaced by G.
Molecular consequence: intron variant.
Genome position (GRCh38, 1-based): chr17:7,220,599, C>G. VCF-style: chr17-7220599-C-G. GRCh37 (hg19) VCF-style: chr17-7123918-C-G.
Other names: c.274-5C>G (NM_001270447.2); c.-24-5C>G (NM_001270448.2); c.139-5C>G (NM_001033859.3).
Identifiers: ClinVar variation 553012 (VCV000553012.3), dbSNP rs768537914, ClinGen allele CA8337600.

ClinVar aggregate classification (germline): Uncertain significance. Review status: criteria provided, single submitter (1 of 4 stars). 2 submissions from 2 submitters: Uncertain significance (1). 1 of the submissions does not count toward it. Last evaluated 2025-02-18.

Conditions:
Very long chain acyl-CoA dehydrogenase deficiency (ACADVLD). Also called: Very Long-Chain Acyl-Coenzyme A Dehydrogenase Deficiency; VLCAD Deficiency. Identifiers: Orphanet 26793, MedGen C3887523, MONDO:0008723, OMIM 201475.

Allele frequency attached by ClinVar (database versions not stated): gnomAD exomes below 0.00001; ExAC 0.00001.
gnomAD v4.1: 15 of 1,614,210 alleles (0.00093%); highest among the groups gnomAD compares: Non-Finnish European, 0.0013%; no homozygotes.

Submissions (2):

ARUP Laboratories, Molecular Genetics and Genomics, ARUP Laboratories
Classification: Uncertain significance for Very long chain acyl-CoA dehydrogenase deficiency. Last evaluated: 2025-02-18. Review status: criteria provided, single submitter. Criteria: ARUP Molecular Germline Variant Investigation Process 2024. Collection method: clinical testing. Allele origin: germline.
Comment: The ACADVL c.205-5C>G variant (rs768537914), to our knowledge, is not reported in the medical literature but is reported in ClinVar (Variation ID: 553012). This variant is only observed on one allele in the Genome Aggregation Database (v2.1.1), indicating it is not a common polymorphism. This is an intronic variant and computational analyses (Alamut Visual Plus v.1.12) predict that this variant does not alter splicing. Due to limited information, the clinical significance of this variant is uncertain at this time.

Counsyl
Classification: Uncertain significance for Very long chain acyl-CoA dehydrogenase deficiency. Last evaluated: 2017-07-25. Review status: no assertion criteria provided. Collection method: clinical testing. Allele origin: unknown. Not counted in ClinVar's aggregate classification.